The following is an entry in ClinVar:

ClinVar aggregate classification (germline): Pathogenic (1 of 4 stars; one submission).

Conditions:
Congenital hyperammonemia, type I. Also called: Carbamoyl phosphate synthetase I deficiency disease; CPS I DEFICIENCY; Carbamoyl phosphate synthetase 1 deficiency; Hyperammonemia due to carbamoyl phosphate synthetase 1 deficiency; CPS 1 deficiency; Carbamyl phosphate synthetase (CPS) deficiency. Identifiers: Orphanet 147, MedGen C4082171, MONDO:0009376, OMIM 237300.

Submission:

Labcorp Genetics (formerly Invitae), Labcorp
Classification: Pathogenic for Congenital hyperammonemia, type I. Last evaluated: 2020-04-30. Review status: criteria provided, single submitter. Criteria: Invitae Variant Classification Sherloc (09022015). Collection method: clinical testing. Allele origin: germline.
Comment: This sequence change creates a premature translational stop signal (p.Glu1255*) in the CPS1 gene. It is expected to result in an absent or disrupted protein product. This variant is not present in population databases (ExAC no frequency). This variant has not been reported in the literature in individuals with CPS1-related conditions. Loss-of-function variants in CPS1 are known to be pathogenic (PMID: 21120950). For these reasons, this variant has been classified as Pathogenic.

Literature cited by the submitters: PubMed 21120950.

NM_001875.5(CPS1):c.3763G>T (p.Glu1255Ter)

Gene: CPS1 (carbamoyl-phosphate synthase 1; plus strand). Cytogenetic location: 2q34.
Variant type: single nucleotide variant.
Coding change: c.3763G>T on transcript NM_001875.5 (MANE Select); coding-DNA position 3763, G replaced by T.
Protein change: p.Glu1255Ter; replaces glutamic acid 1255 with a stop codon.
Molecular consequence: nonsense. On other transcripts: non-coding transcript variant (2).
Genome position (GRCh38, 1-based): chr2:210,660,491, G>T. VCF-style: chr2-210660491-G-T. GRCh37 (hg19) VCF-style: chr2-211525215-G-T.
Other names: c.3763G>T, p.Glu1255Ter (NM_001122633.3, NM_001369257.1); c.3796G>T, p.Glu1266Ter (NM_001369256.1); short protein forms E1255*, E1266*.
Identifiers: ClinVar variation 1076846 (VCV001076846.7), dbSNP rs2105922857, ClinGen allele CA350438415.